The following is an entry in ClinVar:

NM_000256.3(MYBPC3):c.1658A>T (p.Asp553Val)

Gene: MYBPC3 (myosin binding protein C3; minus strand). Cytogenetic location: 11p11.2.
Variant type: single nucleotide variant.
Coding change: c.1658A>T on transcript NM_000256.3 (MANE Select); coding-DNA position 1658, A replaced by T.
Protein change: p.Asp553Val; replaces aspartic acid 553 with valine.
Molecular consequence: missense variant.
Genome position (GRCh38, 1-based): chr11:47,342,123, T>A on the plus strand (A>T on the coding strand, the complement: MYBPC3 is on the minus strand). VCF-style: chr11-47342123-T-A. GRCh37 (hg19) VCF-style: chr11-47363674-T-A.
Other names: short protein forms D553V.
Identifiers: ClinVar variation 1720349 (VCV001720349.5), dbSNP rs2495761455, ClinGen allele CA380324430.
Genomic context (GRCh38, chr11:47,342,123, plus strand): 5'-ACATTCTCATCTGAGACCTCACATTTGAACACCGCCTGGTCCTTTGCGCCCACCATCAGG[T>A]CTGCGATGCTCTGGTACACCTCCAGCTTCTTTTCTGCAGGGCAGGGCAGAGCCATTGAGC-3'
Protein context (NP_000247.2, residues 543-563): KKLEVYQSIA[Asp553Val]LMVGAKDQAV

ClinVar aggregate classification (germline): Uncertain significance (1 of 4 stars; one submission).

Conditions:
Hypertrophic cardiomyopathy. Also called: HYPERTROPHIC MYOCARDIOPATHY. Identifiers: Orphanet 217569, MedGen C0007194, MeSH D002312, MONDO:0005045, HP:0001639.

Submission:

Labcorp Genetics (formerly Invitae), Labcorp
Classification: Uncertain significance for Hypertrophic cardiomyopathy. Last evaluated: 2023-02-26. Review status: criteria provided, single submitter. Criteria: Invitae Variant Classification Sherloc (09022015). Collection method: clinical testing. Allele origin: germline.
Comment: This variant is not present in population databases (gnomAD no frequency). This sequence change replaces aspartic acid, which is acidic and polar, with valine, which is neutral and non-polar, at codon 553 of the MYBPC3 protein (p.Asp553Val). This variant has not been reported in the literature in individuals affected with MYBPC3-related conditions. ClinVar contains an entry for this variant (Variation ID: 1720349). An algorithm developed to predict the effect of missense changes on protein structure and function (PolyPhen-2) suggests that this variant is likely to be disruptive. In summary, the available evidence is currently insufficient to determine the role of this variant in disease. Therefore, it has been classified as a Variant of Uncertain Significance.